The following is an entry in ClinVar:

NM_178844.4(NLRC3):c.2183+249C>T

Gene: NLRC3 (NLR family CARD domain containing 3; minus strand). Cytogenetic location: 16p13.3.
Variant type: single nucleotide variant.
Coding change: c.2183+249C>T on transcript NM_178844.4 (MANE Select); 249 bases into the intron after coding-DNA position 2183, C replaced by T.
Molecular consequence: intron variant.
Genome position (GRCh38, 1-based): chr16:3,556,662, G>A on the plus strand (C>T on the coding strand, the complement: NLRC3 is on the minus strand). VCF-style: chr16-3556662-G-A. GRCh37 (hg19) VCF-style: chr16-3606663-G-A.
Identifiers: ClinVar variation 103366 (VCV000103366.2), dbSNP rs199476282, ClinGen allele CA230479.

ClinVar aggregate classification (germline): not provided (0 of 4 stars; one submission).

Allele frequency attached by ClinVar (database versions not stated): gnomAD 0.00001; TOPMed 0.00001.
gnomAD v4.1: 2 of 152,162 alleles (0.0013%); highest among the groups gnomAD compares: East Asian, 0.019%; no homozygotes.

Submission:

Human Evolutionary Genetics, Institut Pasteur
No classification provided. Review status: no classification provided. Collection method: not provided. Allele origin: germline.
ClinVar note: Converted during submission from untested to not provided.